The following is an entry in ClinVar:

ClinVar aggregate classification (germline): Uncertain significance. Review status: criteria provided, multiple submitters, no conflicts (2 of 4 stars). 2 submissions from 2 submitters: Uncertain significance (2). Last evaluated 2025-07-30.

Conditions:
Hereditary cancer-predisposing syndrome. Also called: Tumor predisposition; Hereditary Cancer Syndrome; Hereditary neoplastic syndrome; Neoplastic Syndromes, Hereditary. Identifiers: Orphanet 140162, MedGen C0027672, MeSH D009386, MONDO:0015356.
Rhabdoid tumor predisposition syndrome 2 (RTPS2). Identifiers: Orphanet 231108, Orphanet 69077, MedGen C2750074, MONDO:0013224, OMIM 613325.

Allele frequency attached by ClinVar (database versions not stated): gnomAD exomes below 0.00001; TOPMed below 0.00001.
gnomAD v4.1: 4 of 1,613,876 alleles (0.00025%); highest among the groups gnomAD compares: Non-Finnish European, 0.00034%; no homozygotes.

Submissions (2):

Labcorp Genetics (formerly Invitae), Labcorp
Classification: Uncertain significance for Rhabdoid tumor predisposition syndrome 2. Last evaluated: 2025-07-30. Review status: criteria provided, single submitter. Criteria: Invitae Variant Classification Sherloc (09022015). Collection method: clinical testing. Allele origin: germline.
Comment: This sequence change replaces arginine, which is basic and polar, with cysteine, which is neutral and slightly polar, at codon 1545 of the SMARCA4 protein (p.Arg1545Cys). This variant is not present in population databases (gnomAD no frequency). This variant has not been reported in the literature in individuals affected with SMARCA4-related conditions. ClinVar contains an entry for this variant (Variation ID: 537839). Invitae Evidence Modeling of protein sequence and biophysical properties (such as structural, functional, and spatial information, amino acid conservation, physicochemical variation, residue mobility, and thermodynamic stability) indicates that this missense variant is expected to disrupt SMARCA4 protein function with a positive predictive value of 95%. In summary, the available evidence is currently insufficient to determine the role of this variant in disease. Therefore, it has been classified as a Variant of Uncertain Significance.

Ambry Genetics
Classification: Uncertain significance for Hereditary cancer-predisposing syndrome. Last evaluated: 2024-08-07. Review status: criteria provided, single submitter. Criteria: Ambry Variant Classification Scheme 2023. Collection method: clinical testing. Allele origin: germline.
Comment: The p.R1545C variant (also known as c.4633C>T), located in coding exon 32 of the SMARCA4 gene, results from a C to T substitution at nucleotide position 4633. The arginine at codon 1545 is replaced by cysteine, an amino acid with highly dissimilar properties. This amino acid position is highly conserved in available vertebrate species. In addition, the in silico prediction for this alteration is inconclusive. Based on the available evidence, the clinical significance of this variant remains unclear.

NM_003072.5(SMARCA4):c.4537C>T (p.Arg1513Cys)

Gene: SMARCA4 (SWI/SNF related BAF chromatin remodeling complex subunit ATPase 4; plus strand). Cytogenetic location: 19p13.2.
Variant type: single nucleotide variant.
Coding change: c.4537C>T on transcript NM_003072.5 (MANE Select); coding-DNA position 4537, C replaced by T.
Protein change: p.Arg1513Cys; replaces arginine 1513 with cysteine.
Molecular consequence: missense variant. On other transcripts: non-coding transcript variant (1).
Genome position (GRCh38, 1-based): chr19:11,058,791, C>T. VCF-style: chr19-11058791-C-T. GRCh37 (hg19) VCF-style: chr19-11169467-C-T.
Other names: c.4537C>T, p.Arg1513Cys (NM_001128844.3); c.4447C>T, p.Arg1483Cys (NM_001128845.2); c.4444C>T, p.Arg1482Cys (NM_001128846.2); c.4438C>T, p.Arg1480Cys (NM_001128847.4, NM_001374457.1); c.4435C>T, p.Arg1479Cys (NM_001128848.2); c.4633C>T, p.Arg1545Cys (NM_001128849.3, NM_001387283.1); short protein forms R1545C, R1479C, R1483C, R1513C, R1480C, R1482C.
Identifiers: ClinVar variation 537839 (VCV000537839.11), dbSNP rs985886104, ClinGen allele CA305298619.